The following is an entry in ClinVar:

NM_001378120.1(MBD5):c.1549C>T (p.Gln517Ter)

Gene: MBD5 (methyl-CpG binding domain protein 5; plus strand). Cytogenetic location: 2q23.1.
Variant type: single nucleotide variant.
Coding change: c.1549C>T on transcript NM_001378120.1 (MANE Select); coding-DNA position 1549, C replaced by T.
Protein change: p.Gln517Ter; replaces glutamine 517 with a stop codon.
Molecular consequence: nonsense.
Genome position (GRCh38, 1-based): chr2:148,469,492, C>T. VCF-style: chr2-148469492-C-T. GRCh37 (hg19) VCF-style: chr2-149227061-C-T.
Other names: c.1549C>T, p.Gln517Ter (NM_018328.5); short protein forms Q517*.
Identifiers: ClinVar variation 523903 (VCV000523903.4), dbSNP rs1553518593, ClinGen allele CA348719922.

ClinVar aggregate classification (germline): Pathogenic/Likely pathogenic. Review status: criteria provided, multiple submitters, no conflicts (2 of 4 stars). 2 submissions from 2 submitters: Pathogenic (1); Likely pathogenic (1). Last evaluated 2026-09-18.

Conditions:
MBD5 associated neurodevelopmental disorder.

Submissions (2):

GeneDx
Classification: Pathogenic. Last evaluated: 2026-09-18. Review status: criteria provided, single submitter. Criteria: GeneDx Variant Classification Process June 2021. Collection method: clinical testing. Allele origin: germline.
Comment: Reported de novo in a proband from a large cohort study with a neurodevelopmental disorder, but detailed clinical information was not provided (PMID: 33057194, 35982159); Nonsense variant predicted to result in protein truncation or nonsense mediated decay in a gene for which loss of function is a known mechanism of disease; Not observed at significant frequency in large population cohorts (gnomAD); This variant is associated with the following publications: (PMID: 35982159, 33057194)

Women's Health and Genetics/Laboratory Corporation of America, LabCorp
Classification: Likely pathogenic. Last evaluated: 2023-03-16. Review status: criteria provided, single submitter. Criteria: LabCorp Variant Classification Summary - May 2015. Collection method: clinical testing. Allele origin: germline.
Comment: Variant summary: MBD5 c.1549C>T (p.Gln517X) results in a premature termination codon, predicted to cause a truncation of the encoded protein or absence of the protein due to nonsense mediated decay, which are commonly known mechanisms for disease. Truncations downstream of this position have been classified as pathogenic in ClinVar. The variant was absent in 249934 control chromosomes (gnomAD). To our knowledge, no occurrence of c.1549C>T in individuals affected with MBD5 Associated Neurodevelopmental Disorder and no experimental evidence demonstrating its impact on protein function have been reported. One clinical diagnostic laboratory has submitted clinical-significance assessments for this variant to ClinVar after 2014 without evidence for independent evaluation. One laboratory classified the variant as pathogenic. Based on the evidence outlined above, the variant was classified as likely pathogenic.